The following is an entry in ClinVar:

ClinVar aggregate classification (germline): Uncertain significance (1 of 4 stars; one submission).

Conditions:
Hereditary cancer-predisposing syndrome. Also called: Tumor predisposition; Hereditary Cancer Syndrome; Hereditary neoplastic syndrome; Neoplastic Syndromes, Hereditary. Identifiers: Orphanet 140162, MedGen C0027672, MeSH D009386, MONDO:0015356.

Allele frequency attached by ClinVar (database versions not stated): gnomAD exomes below 0.00001.
gnomAD v4.1: 1 of 1,606,682 alleles (0.000062%); highest among the groups gnomAD compares: Non-Finnish European, 0.000085%; no homozygotes.

Submission:

Ambry Genetics
Classification: Uncertain significance for Hereditary cancer-predisposing syndrome. Last evaluated: 2025-12-22. Review status: criteria provided, single submitter. Criteria: Ambry Variant Classification Scheme 2023. Collection method: clinical testing. Allele origin: germline.
Comment: The p.A44T variant (also known as c.130G>A), located in coding exon 1 of the CDKN2A (p14ARF) gene, results from a G to A substitution at nucleotide position 130. The alanine at codon 44 is replaced by threonine, an amino acid with similar properties. This amino acid position is well conserved in available vertebrate species. In addition, this alteration is predicted to be tolerated by in silico analysis. Based on the available evidence, the clinical significance of this variant remains unclear.

NM_058195.4(CDKN2A):c.130G>A (p.Ala44Thr)

Gene: CDKN2A (cyclin dependent kinase inhibitor 2A; minus strand). Cytogenetic location: 9p21.3.
Variant type: single nucleotide variant.
Coding change: c.130G>A on transcript NM_058195.4 (MANE Plus Clinical); coding-DNA position 130, G replaced by A.
Protein change: p.Ala44Thr; replaces alanine 44 with threonine.
Molecular consequence: missense variant. On other transcripts: intron variant (1).
Genome position (GRCh38, 1-based): chr9:21,994,202, C>T on the plus strand (G>A on the coding strand, the complement: CDKN2A is on the minus strand). VCF-style: chr9-21994202-C-T. GRCh37 (hg19) VCF-style: chr9-21994201-C-T.
Other names: c.-4+619G>A (NM_001363763.2); short protein forms A44T.
Identifiers: ClinVar variation 3228933 (VCV003228933.2), dbSNP rs2489327173, ClinGen allele CA373086888.